The following is an entry in ClinVar:

NM_006158.5(NEFL):c.110G>A (p.Arg37His)

Gene: NEFL (neurofilament light chain; minus strand). Cytogenetic location: 8p21.2.
Variant type: single nucleotide variant.
Coding change: c.110G>A on transcript NM_006158.5 (MANE Select); coding-DNA position 110, G replaced by A.
Protein change: p.Arg37His; replaces arginine 37 with histidine.
Molecular consequence: missense variant.
Genome position (GRCh38, 1-based): chr8:24,956,406, C>T on the plus strand (G>A on the coding strand, the complement: NEFL is on the minus strand). VCF-style: chr8-24956406-C-T. GRCh37 (hg19) VCF-style: chr8-24813920-C-T.
Other names: short protein forms R37H.
Identifiers: ClinVar variation 4536194 (VCV004536194.1).

ClinVar aggregate classification (germline): Uncertain significance (1 of 4 stars; one submission).

gnomAD v4.1: 1 of 1,603,456 alleles (0.000062%); highest among the groups gnomAD compares: Non-Finnish European, 0.000085%; no homozygotes.

Submission:

GeneDx
Classification: Uncertain significance. Last evaluated: 2025-06-06. Review status: criteria provided, single submitter. Criteria: GeneDx Variant Classification Process June 2021. Collection method: clinical testing. Allele origin: germline. Affected: yes.
Comment: Not observed at significant frequency in large population cohorts (gnomAD); Has not been previously published as pathogenic or benign to our knowledge; In silico analysis does not support a benign or deleterious effect of this variant on protein structure/function